The following is an entry in ClinVar:

ClinVar aggregate classification (germline): Uncertain significance (1 of 4 stars; one submission).

gnomAD v4.1: 16 of 1,614,196 alleles (0.00099%); highest among the groups gnomAD compares: East Asian, 0.0022%; no homozygotes.

Submission:

Labcorp Genetics (formerly Invitae), Labcorp
Classification: Uncertain significance. Last evaluated: 2025-11-12. Review status: criteria provided, single submitter. Criteria: Invitae Variant Classification Sherloc (09022015). Collection method: clinical testing. Allele origin: germline.
Comment: This sequence change replaces threonine, which is neutral and polar, with methionine, which is neutral and non-polar, at codon 133 of the LRRC8A protein (p.Thr133Met). This variant is present in population databases (rs779726996, gnomAD 0.01%). This variant has not been reported in the literature in individuals affected with LRRC8A-related conditions. ClinVar contains an entry for this variant (Variation ID: 3632737). An algorithm developed to predict the effect of missense changes on protein structure and function (PolyPhen-2) suggests that this variant is likely to be disruptive. In summary, the available evidence is currently insufficient to determine the role of this variant in disease. Therefore, it has been classified as a Variant of Uncertain Significance.

NM_019594.4(LRRC8A):c.398C>T (p.Thr133Met)

Gene: LRRC8A (leucine rich repeat containing 8 VRAC subunit A; plus strand). Cytogenetic location: 9q34.11.
Variant type: single nucleotide variant.
Coding change: c.398C>T on transcript NM_019594.4 (MANE Select); coding-DNA position 398, C replaced by T.
Protein change: p.Thr133Met; replaces threonine 133 with methionine.
Molecular consequence: missense variant.
Genome position (GRCh38, 1-based): chr9:128,907,562, C>T. VCF-style: chr9-128907562-C-T. GRCh37 (hg19) VCF-style: chr9-131669841-C-T.
Other names: c.398C>T, p.Thr133Met (NM_001127244.2, NM_001127245.2); short protein forms T133M.
Identifiers: ClinVar variation 3632737 (VCV003632737.2).